The following is an entry in ClinVar:

NM_001368882.1(COL13A1):c.685-1223G>C

Gene: COL13A1 (collagen type XIII alpha 1 chain; plus strand). Cytogenetic location: 10q22.1.
Variant type: single nucleotide variant.
Coding change: c.685-1223G>C on transcript NM_001368882.1 (MANE Select); 1223 bases into the intron before coding-DNA position 685, G replaced by C.
Molecular consequence: intron variant. On other transcripts: splice acceptor variant (4).
Genome position (GRCh38, 1-based): chr10:69,897,474, G>C. VCF-style: chr10-69897474-G-C. GRCh37 (hg19) VCF-style: chr10-71657230-G-C.
Other names: c.685-1223G>C (NM_001320951.2, NM_001368884.1); c.658-1G>C (NM_001130103.2, NM_080801.4, NM_080802.4); c.658-1223G>C (NM_080800.4); c.85-1223G>C (NM_001368886.1); c.649-1223G>C (NM_001368883.1, NM_001368885.1); c.571-1G>C (NM_080805.4); c.571-1223G>C (NM_001368897.1); c.595-1223G>C (NM_001368895.1); and 1 more.
Identifiers: ClinVar variation 3614258 (VCV003614258.2).

ClinVar aggregate classification (germline): Likely pathogenic (1 of 4 stars; one submission).

gnomAD v4.1: 1 of 1,613,856 alleles (0.000062%); highest among the groups gnomAD compares: Non-Finnish European, 0.000085%; no homozygotes.

Submission:

Labcorp Genetics (formerly Invitae), Labcorp
Classification: Likely pathogenic. Last evaluated: 2024-05-19. Review status: criteria provided, single submitter. Criteria: Invitae Variant Classification Sherloc (09022015). Collection method: clinical testing. Allele origin: germline.
Comment: This sequence change affects an acceptor splice site in intron 12 of the COL13A1 gene. It is expected to disrupt RNA splicing. Variants that disrupt the donor or acceptor splice site typically lead to a loss of protein function (PMID: 16199547), and loss-of-function variants in COL13A1 are known to be pathogenic (PMID: 26626625). The frequency data for this variant in the population databases is considered unreliable, as metrics indicate poor data quality at this position in the gnomAD database. This variant has not been reported in the literature in individuals affected with COL13A1-related conditions. In summary, the currently available evidence indicates that the variant is pathogenic, but additional data are needed to prove that conclusively. Therefore, this variant has been classified as Likely Pathogenic.

Literature cited by the submitters: PubMed 16199547; PubMed 26626625.